The following is an entry in ClinVar:

ClinVar aggregate classification (germline): Likely pathogenic (1 of 4 stars; one submission).

Conditions:
Cardiovascular phenotype. Identifiers: MedGen CN230736.

Submission:

Ambry Genetics
Classification: Likely pathogenic for Cardiovascular phenotype. Last evaluated: 2026-01-12. Review status: criteria provided, single submitter. Criteria: Ambry Variant Classification Scheme 2023. Collection method: clinical testing. Allele origin: germline.
Comment: The c.9555_9556delCT (p.Y3186Cfs*5) alteration, located in exon 40 (coding exon 39) of the TTN gene, consists of a deletion of 2 nucleotides from position 9555 to 9556, causing a translational frameshift with a predicted alternate stop codon after 5 amino acids. This variant is expected to result in loss of function by premature protein truncation or nonsense-mediated mRNA decay. This variant was not reported in population-based cohorts in the Genome Aggregation Database (gnomAD). This exon is located in the I-band region of the N2-B isoform of the titin protein and is constitutively expressed in TTN transcripts (percent spliced in or PSI 100%). While truncating variants in TTN are present in 1-3% of the general population, truncating variants in the A-band are the most common cause of dilated cardiomyopathy (Herman, 2012; Roberts, 2015). TTN truncating variants encoded in constitutive exons (PSI >90%) have been found to be significantly associated with DCM regardless of their position in titin (Schafer, 2017; Akhtar, 2020; Massier, 2025). Based on the available evidence, this alteration is classified as likely pathogenic.

Literature cited by the submitters: PubMed 22335739; PubMed 25589632; PubMed 27869827; PubMed 32964742; PubMed 39844436.

NM_001267550.2(TTN):c.9693_9694del (p.Tyr3232fs)

Gene: TTN (titin; minus strand). Cytogenetic location: 2q31.2.
Variant type: Microsatellite.
Coding change: c.9693_9694del on transcript NM_001267550.2 (MANE Select); coding-DNA positions 9693 to 9694, 2 bases deleted (CT; older notation c.9693_9694delCT).
Protein change: p.Tyr3232fs; shifts the reading frame from tyrosine 3232.
Molecular consequence: frameshift variant.
Genome position (GRCh38, 1-based): chr2:178,766,390-178,766,391, AG deleted on the plus strand (CT on the coding strand, the reverse complement: TTN is on the minus strand); deleting any 2 consecutive bases within chr2:178,766,390-178,766,395 gives the same sequence; the c. name uses the placement nearest the transcript's 3' end. VCF-style (leftmost placement, unchanged base first): chr2-178766389-TAG-T. GRCh37 (hg19) VCF-style: chr2-179631116-TAG-T.
Other names: c.9693_9694del, p.Tyr3232fs (NM_001256850.1, NM_133378.4, NM_133379.5); c.9555_9556del, p.Tyr3186fs (NM_003319.4, NM_133432.3, NM_133437.4); c.9555_9556delCT (NM_003319.4); short protein forms Y3232fs, Y3186fs.
Identifiers: ClinVar variation 3975825 (VCV003975825.2).
Genomic context (GRCh38, chr2:178,766,389, plus strand): 5'-AGGATTATTTCTGATGGATCCACAAAATATGCTGAAATCTGTCCCTACATACCATTGACA[TAG>T]AGAGTGACAGAACTCCTGTTCCTTCCTGCCACAAAGGTGTATTCTCCTGCATCGCTCTGT-3'